The following is an entry in ClinVar:

ClinVar aggregate classification (germline): Uncertain significance. Review status: criteria provided, multiple submitters, no conflicts (2 of 4 stars). 3 submissions from 3 submitters: Uncertain significance (2). 1 of the submissions does not count toward it. Last evaluated 2025-07-15.

Conditions:
Urofacial syndrome type 1. Also called: HPSE2-Related Urofacial Syndrome. Identifiers: Orphanet 2704, MedGen CN033872, MONDO:0009368, OMIM 236730.
Inborn genetic diseases. Identifiers: MedGen C0950123, MeSH D030342.
HPSE2-related disorder. Also called: HPSE2-related condition.

Allele frequency attached by ClinVar (database versions not stated): gnomAD exomes below 0.00001; gnomAD 0.00001; TOPMed 0.00003.
gnomAD v4.1: 4 of 1,613,992 alleles (0.00025%); highest among the groups gnomAD compares: Admixed American, 0.0017%; no homozygotes.

Submissions (3):

Ambry Genetics
Classification: Uncertain significance for Inborn genetic diseases. Last evaluated: 2025-07-15. Review status: criteria provided, single submitter. Criteria: Ambry Variant Classification Scheme 2023. Collection method: clinical testing. Allele origin: germline.

Fulgent Genetics
Classification: Uncertain significance for Urofacial syndrome type 1. Last evaluated: 2024-03-04. Review status: criteria provided, single submitter. Criteria: ACMG Guidelines, 2015. Collection method: clinical testing. Allele origin: germline.

PreventionGenetics, part of Exact Sciences
Classification: Uncertain significance for HPSE2-related condition. Last evaluated: 2024-03-01. Review status: no assertion criteria provided. Collection method: clinical testing. Allele origin: germline. Not counted in ClinVar's aggregate classification.
Comment: The HPSE2 c.666A>G variant is predicted to result in the amino acid substitution p.Ile222Met. To our knowledge, this variant has not been reported in the literature or in a large population database, indicating this variant is rare. At this time, the clinical significance of this variant is uncertain due to the absence of conclusive functional and genetic evidence.

NM_021828.5(HPSE2):c.666A>G (p.Ile222Met)

Gene: HPSE2 (heparanase 2 (inactive); minus strand). Cytogenetic location: 10q24.2.
Variant type: single nucleotide variant.
Coding change: c.666A>G on transcript NM_021828.5 (MANE Select); coding-DNA position 666, A replaced by G.
Protein change: p.Ile222Met; replaces isoleucine 222 with methionine.
Molecular consequence: missense variant. On other transcripts: intron variant (2).
Genome position (GRCh38, 1-based): chr10:98,744,001, T>C on the plus strand (A>G on the coding strand, the complement: HPSE2 is on the minus strand). VCF-style: chr10-98744001-T-C. GRCh37 (hg19) VCF-style: chr10-100503758-T-C.
Other names: c.666A>G, p.Ile222Met (NM_001166246.1); c.449-22173A>G (NM_001166245.1); c.611-22173A>G (NM_001166244.1); short protein forms I222M.
Identifiers: ClinVar variation 3061264 (VCV003061264.4), dbSNP rs1949565459, ClinGen allele CA378248251.